The following is an entry in ClinVar:

NM_170682.4(P2RX2):c.697G>A (p.Asp233Asn)

Gene: P2RX2 (purinergic receptor P2X 2; plus strand). Cytogenetic location: 12q24.33.
Variant type: single nucleotide variant.
Coding change: c.697G>A on transcript NM_170682.4 (MANE Select); coding-DNA position 697, G replaced by A.
Protein change: p.Asp233Asn; replaces aspartic acid 233 with asparagine.
Molecular consequence: missense variant.
Genome position (GRCh38, 1-based): chr12:132,620,506, G>A. VCF-style: chr12-132620506-G-A. GRCh37 (hg19) VCF-style: chr12-133197092-G-A.
Other names: c.590G>A, p.Arg197Gln (NM_001282164.2); c.697G>A, p.Asp233Asn (NM_001282165.2, NM_170683.4, NM_174873.3); c.481G>A, p.Asp161Asn (NM_012226.5); c.625G>A, p.Asp209Asn (NM_016318.4); c.421G>A, p.Asp141Asn (NM_174872.3); short protein forms D161N, D233N, D141N, D209N, R197Q.
Identifiers: ClinVar variation 1901235 (VCV001901235.5), dbSNP rs1335122722, ClinGen allele CA387360130.

ClinVar aggregate classification (germline): Uncertain significance (1 of 4 stars; one submission).

Allele frequency attached by ClinVar (database versions not stated): gnomAD exomes 0.00002; TOPMed 0.00002.
gnomAD v4.1: 26 of 1,613,854 alleles (0.0016%); highest among the groups gnomAD compares: East Asian, 0.0045%; no homozygotes.

Submission:

Labcorp Genetics (formerly Invitae), Labcorp
Classification: Uncertain significance. Last evaluated: 2025-07-09. Review status: criteria provided, single submitter. Criteria: Invitae Variant Classification Sherloc (09022015). Collection method: clinical testing. Allele origin: germline.
Comment: This sequence change replaces aspartic acid, which is acidic and polar, with asparagine, which is neutral and polar, at codon 233 of the P2RX2 protein (p.Asp233Asn). This variant is present in population databases (no rsID available, gnomAD 0.006%). This variant has not been reported in the literature in individuals affected with P2RX2-related conditions. ClinVar contains an entry for this variant (Variation ID: 1901235). Invitae Evidence Modeling of protein sequence and biophysical properties (such as structural, functional, and spatial information, amino acid conservation, physicochemical variation, residue mobility, and thermodynamic stability) indicates that this missense variant is not expected to disrupt P2RX2 protein function with a negative predictive value of 80%. In summary, the available evidence is currently insufficient to determine the role of this variant in disease. Therefore, it has been classified as a Variant of Uncertain Significance.